The following is an entry in ClinVar:

NM_139027.6(ADAMTS13):c.2699C>T (p.Ala900Val)

Gene: ADAMTS13 (ADAM metallopeptidase with thrombospondin type 1 motif 13; plus strand). Cytogenetic location: 9q34.2.
Variant type: single nucleotide variant.
Coding change: c.2699C>T on transcript NM_139027.6 (MANE Select); coding-DNA position 2699, C replaced by T.
Protein change: p.Ala900Val; replaces alanine 900 with valine.
Molecular consequence: missense variant. On other transcripts: non-coding transcript variant (1).
Genome position (GRCh38, 1-based): chr9:133,445,787, C>T. VCF-style: chr9-133445787-C-T. GRCh37 (hg19) VCF-style: chr9-136310908-C-T.
Other names: c.2699C>T, p.Ala900Val (NM_139025.5); c.2606C>T, p.Ala869Val (NM_139026.6); c.2699C>T (NM_139025.3); short protein forms A900V, A869V.
Identifiers: ClinVar variation 262437 (VCV000262437.18), dbSNP rs685523, ClinGen allele CA10587040.

ClinVar aggregate classification (germline): Benign/Likely benign. Review status: criteria provided, multiple submitters, no conflicts (2 of 4 stars). 6 submissions from 6 submitters: Benign (4); Likely benign (2). Last evaluated 2026-02-04.

Allele frequency attached by ClinVar (database versions not stated): 1000 Genomes Project 0.07648; 1000 Genomes Project 30x 0.07730; gnomAD exomes 0.08063 and 0.09646; TOPMed 0.10378; gnomAD 0.10454 and 0.10882; ESP Exome Variant Server 0.11295.
gnomAD v4.1: 154,775 of 1,596,052 alleles (9.7%); highest among the groups gnomAD compares: African/African-American, 14%; 8,223 homozygotes.

Submissions (6):

Labcorp Genetics (formerly Invitae), Labcorp
Classification: Benign. Last evaluated: 2026-02-04. Review status: criteria provided, single submitter. Criteria: Invitae Variant Classification Sherloc (09022015). Collection method: clinical testing. Allele origin: germline.

Blueprint Genetics
Classification: Likely benign. Last evaluated: 2024-11-27. Review status: criteria provided, single submitter. Criteria: ACMG Guidelines, 2015. Collection method: clinical testing. Allele origin: germline.

Mayo Clinic Laboratories, Mayo Clinic
Classification: Benign. Last evaluated: 2023-11-15. Review status: criteria provided, single submitter. Criteria: ACMG Guidelines, 2015. Collection method: clinical testing. Allele origin: germline. Observed: 630 variant alleles.
Comment: BA1, BS2, BS3, BP4

GeneDx
Classification: Benign. Last evaluated: 2021-06-09. Review status: criteria provided, single submitter. Criteria: GeneDx Variant Classification Process June 2021. Collection method: clinical testing. Allele origin: germline. Affected: yes.
Comment: This variant is associated with the following publications: (PMID: 19427680, 22768050)

Breakthrough Genomics
Classification: Likely benign. Review status: criteria provided, single submitter. Criteria: ACMG Guidelines, 2015. Collection method: not provided. Allele origin: germline. Inheritance: Autosomal recessive inheritance. Affected: yes.

PreventionGenetics, part of Exact Sciences
Classification: Benign. Review status: criteria provided, single submitter. Criteria: ACMG Guidelines, 2015. Collection method: clinical testing. Allele origin: germline.

Literature cited by the submitters: PubMed 31249923 (cited by Mayo Clinic Laboratories, Mayo Clinic); PubMed 36474435 (cited by Mayo Clinic Laboratories, Mayo Clinic).